The following is an entry in ClinVar:

ClinVar aggregate classification (germline): Likely benign (1 of 4 stars; one submission).

Conditions:
GLI2-related disorder. Also called: GLI2-related condition; GLI2-related disorders.

gnomAD v4.1: 39 of 1,612,774 alleles (0.0024%); highest among the groups gnomAD compares: Non-Finnish European, 0.0031%; no homozygotes.

Submission:

PreventionGenetics, part of Exact Sciences
Classification: Likely benign for GLI2-related condition. Last evaluated: 2025-06-24. Review status: criteria provided, single submitter. Criteria: ACMG Guidelines, 2015. Collection method: clinical testing. Allele origin: germline.
Comment: This variant is classified as likely benign based on ACMG/AMP sequence variant interpretation guidelines (Richards et al. 2015 PMID: 25741868, with internal and published modifications).

NM_001374353.1(GLI2):c.1182+8G>A

Gene: GLI2 (GLI family zinc finger 2; plus strand). Cytogenetic location: 2q14.2.
Variant type: single nucleotide variant.
Coding change: c.1182+8G>A on transcript NM_001374353.1 (MANE Select); 8 bases into the intron after coding-DNA position 1182, G replaced by A.
Molecular consequence: intron variant.
Genome position (GRCh38, 1-based): chr2:120,972,071, G>A. VCF-style: chr2-120972071-G-A. GRCh37 (hg19) VCF-style: chr2-121729647-G-A.
Other names: c.1182+8G>A (NM_001371271.1, NM_005270.5); c.807+8G>A (NM_001374354.1).
Identifiers: ClinVar variation 4989816 (VCV004989816.1).